The following is an entry in ClinVar:

ClinVar aggregate classification (germline): Pathogenic (1 of 4 stars; one submission).

Conditions:
Neuronal ceroid lipofuscinosis. Also called: Neuronal Ceroid Lipofuscinoses. Identifiers: Orphanet 216, Orphanet 79263, MedGen C0027877, MONDO:0016295. Disease mechanism: loss of function.

Submission:

Labcorp Genetics (formerly Invitae), Labcorp
Classification: Pathogenic for Neuronal ceroid lipofuscinosis. Last evaluated: 2025-11-27. Review status: criteria provided, single submitter. Criteria: Invitae Variant Classification Sherloc (09022015). Collection method: clinical testing. Allele origin: germline.
Comment: This sequence change creates a premature translational stop signal (p.Leu151*) in the CTSD gene. It is expected to result in an absent or disrupted protein product. Loss-of-function variants in CTSD are known to be pathogenic (PMID: 16670177, 26059544). This variant is not present in population databases (gnomAD no frequency). This variant has not been reported in the literature in individuals affected with CTSD-related conditions. For these reasons, this variant has been classified as Pathogenic.

Literature cited by the submitters: PubMed 16670177; PubMed 26059544.

NM_001909.5(CTSD):c.451del (p.Tyr150_Leu151insTer)

Gene: CTSD (cathepsin D; minus strand). Cytogenetic location: 11p15.5.
Variant type: Deletion.
Coding change: c.451del on transcript NM_001909.5 (MANE Select); coding-DNA position 451, one base deleted (C; older notation c.451delC).
Protein change: p.Tyr150_Leu151insTer.
Molecular consequence: nonsense.
Genome position (GRCh38, 1-based): chr11:1,758,989, G deleted on the plus strand (C on the coding strand, the reverse complement: CTSD is on the minus strand); the first of 2 consecutive G bases (chr11:1,758,989-1,758,990); deleting either gives the same sequence. VCF-style (leftmost placement, unchanged base first): chr11-1758988-AG-A. GRCh37 (hg19) VCF-style: chr11-1780218-AG-A.
Identifiers: ClinVar variation 4731658 (VCV004731658.1).